The following is an entry in ClinVar:

NC_000001.10:g.(?_156844810)_(156846190_?)del

Gene: NTRK1 (neurotrophic receptor tyrosine kinase 1; plus strand). Cytogenetic location: 1q23.1.
Variant type: Deletion.
Identifiers: ClinVar variation 3247638 (VCV003247638.1).

ClinVar aggregate classification (germline): Likely pathogenic (1 of 4 stars; one submission).

Conditions:
Hereditary insensitivity to pain with anhidrosis (CIPA). Also called: INSENSITIVITY TO PAIN, CONGENITAL, WITH ANHIDROSIS; HSAN Type IV; FAMILIAL DYSAUTONOMIA, TYPE II; NEUROPATHY, CONGENITAL SENSORY, WITH ANHIDROSIS; NTRK1 Congenital Insensitivity to Pain with Anhidrosis; hereditary sensory and autonomic neuropathy type 4. Identifiers: Orphanet 642, MedGen C0020074, MONDO:0009746, OMIM 256800.

Submission:

Labcorp Genetics (formerly Invitae), Labcorp
Classification: Likely pathogenic for Hereditary insensitivity to pain with anhidrosis. Last evaluated: 2023-06-12. Review status: criteria provided, single submitter. Criteria: Invitae Variant Classification Sherloc (09022015). Collection method: clinical testing. Allele origin: unknown.
Comment: In summary, the currently available evidence indicates that the variant is pathogenic, but additional data are needed to prove that conclusively. Therefore, this variant has been classified as Likely Pathogenic. This variant disrupts the p.Gly511 amino acid residue in NTRK1. Other variant(s) that disrupt this residue have been observed in individuals with NTRK1-related conditions (PMID: 27676246, 30201336), which suggests that this may be a clinically significant amino acid residue. ClinVar contains an entry for this variant (Variation ID: 65491). This variant has not been reported in the literature in individuals affected with NTRK1-related conditions. This variant results in the deletion of exons 11-12 and part of exon 13 (c.1336+10_1615-2del) of the NTRK1 gene. It is expected to disrupt RNA splicing. Variants that disrupt the donor or acceptor splice site typically lead to a loss of protein function (PMID: 16199547), and loss-of-function variants in NTRK1 are known to be pathogenic (PMID: 10982191).

Literature cited by the submitters: PubMed 27676246; PubMed 30201336; PubMed 16199547; PubMed 10982191.